The following is an entry in ClinVar:

ClinVar aggregate classification (germline): Benign. Review status: reviewed by expert panel (3 of 4 stars). 27 submissions from 27 submitters: Benign (1). 26 of the submissions do not count toward it. Last evaluated 2019-06-18.

Conditions:
BRCA1-related disorder. Also called: BRCA1-related condition.
Breast and/or ovarian cancer. Identifiers: MedGen CN221562.
Hereditary cancer-predisposing syndrome. Also called: Hereditary Cancer Syndrome; Tumor predisposition; Neoplastic Syndromes, Hereditary; Hereditary neoplastic syndrome. Identifiers: Orphanet 140162, MedGen C0027672, MeSH D009386, MONDO:0015356.
Hereditary breast ovarian cancer syndrome. Also called: Breast and ovarian cancer; BRCA1- and BRCA2-Associated Hereditary Breast and Ovarian Cancer; Hereditary breast and ovarian cancer; Hereditary breast and ovarian cancer syndrome (HBOC); Hereditary breast and ovarian cancer syndrome; Hereditary breast and/or ovarian cancer syndrome. Identifiers: Orphanet 145, MedGen C0677776, MeSH D061325, MONDO:0003582. Disease mechanism: loss of function.
Breast-ovarian cancer, familial, susceptibility to, 1 (BROVCA1). Also called: BRCA1 Hereditary Breast and Ovarian Cancer; OVARIAN CANCER, SUSCEPTIBILITY TO. Identifiers: Orphanet 145, MedGen C2676676, MONDO:0011450, OMIM 604370. Disease mechanism: loss of function.

Allele frequency attached by ClinVar (database versions not stated): gnomAD 0.00002; gnomAD exomes 0.00003 and 0.00006; ExAC 0.00006; TOPMed 0.00007; ESP Exome Variant Server 0.00008.
gnomAD v4.1: 51 of 1,600,484 alleles (0.0032%); highest among the groups gnomAD compares: Middle Eastern, 0.016%; no homozygotes.

Submissions 1 to 20 of 28:

Evidence-based Network for the Interpretation of Germline Mutant Alleles (ENIGMA)
Classification: Benign for Breast-ovarian cancer, familial, susceptibility to, 1. Last evaluated: 2019-06-18. Review status: reviewed by expert panel. Criteria: ENIGMA BRCA1/2 Classification Criteria (2017-06-29). Collection method: curation. Allele origin: germline.
Comment: IARC class based on posterior probability from multifactorial likelihood analysis, thresholds for class as per Plon et al. 2008 (PMID: 18951446). Class 1 based on posterior probability = 5.98E-08

Labcorp Genetics (formerly Invitae), Labcorp
Classification: Benign for Hereditary breast ovarian cancer syndrome. Last evaluated: 2026-01-26. Review status: criteria provided, single submitter. Criteria: Invitae Variant Classification Sherloc (09022015). Collection method: clinical testing. Allele origin: germline. Not counted in ClinVar's aggregate classification.

Dasa
Classification: Benign for Breast-ovarian cancer, familial, susceptibility to, 1. Last evaluated: 2026-01-05. Review status: criteria provided, single submitter. Criteria: DASA Assertion Criteria. Collection method: clinical testing. Allele origin: germline. Not counted in ClinVar's aggregate classification.
Comment: NM_007294.4(BRCA1):c.5074+6C>G is a splice-region variant. Functional evidence is consistent with no deleterious impact on the gene or gene product. Computational prediction algorithms are consistent with a benign effect. Therefore, based on the currently available evidence, this variant is classified as benign.

CeGaT Center for Human Genetics Tuebingen
Classification: Likely benign. Last evaluated: 2025-12-01. Review status: criteria provided, single submitter. Criteria: CeGaT Center For Human Genetics Tuebingen Variant Classification Criteria Version 2. Collection method: clinical testing. Allele origin: germline. Affected: yes. Observed: 2 variant alleles. Not counted in ClinVar's aggregate classification.
Comment: BRCA1: BP4

PreventionGenetics, part of Exact Sciences
Classification: Benign for BRCA1-related condition. Last evaluated: 2025-04-04. Review status: criteria provided, single submitter. Criteria: ACMG Guidelines, 2015. Collection method: clinical testing. Allele origin: germline. Not counted in ClinVar's aggregate classification.
Comment: This variant is classified as benign based on ACMG/AMP sequence variant interpretation guidelines (Richards et al. 2015 PMID: 25741868, with internal and published modifications).

Center for Genomic Medicine, Rigshospitalet, Copenhagen University Hospital
Classification: Benign. Last evaluated: 2025-03-04. Review status: criteria provided, single submitter. Criteria: ACMG Guidelines, 2015. Collection method: clinical testing. Allele origin: germline. Not counted in ClinVar's aggregate classification.

Blueprint Genetics
Classification: Likely benign. Last evaluated: 2024-11-28. Review status: criteria provided, single submitter. Criteria: ACMG Guidelines, 2015. Collection method: clinical testing. Allele origin: germline. Not counted in ClinVar's aggregate classification.

All of Us Research Program, National Institutes of Health
Classification: Likely benign for Breast-ovarian cancer, familial, susceptibility to, 1. Last evaluated: 2023-12-13. Review status: criteria provided, single submitter. Criteria: ACMG Guidelines, 2015. Collection method: clinical testing. Allele origin: germline. Inheritance: Autosomal dominant inheritance. Observed: 13 variant alleles, 13 heterozygotes. Not counted in ClinVar's aggregate classification.
Comment: This study involves interpretation of variants in research participants for the purpose of population health screening. Participant phenotype was not available at the time of variant classification. Additional details can be found in publication PMID: 35346344, PMCID: PMC8962531

Sema4
Classification: Likely benign for Hereditary cancer-predisposing syndrome. Last evaluated: 2021-09-15. Review status: criteria provided, single submitter. Criteria: Sema4 Curation Guidelines. Collection method: curation. Allele origin: germline. Not counted in ClinVar's aggregate classification.

Quest Diagnostics Nichols Institute San Juan Capistrano
Classification: Benign. Last evaluated: 2021-01-18. Review status: criteria provided, single submitter. Criteria: Quest Diagnostics criteria. Collection method: clinical testing. Allele origin: unknown. Not counted in ClinVar's aggregate classification.

Mendelics
Classification: Likely benign for Breast-ovarian cancer, familial, susceptibility to, 1. Last evaluated: 2019-05-28. Review status: criteria provided, single submitter. Criteria: Mendelics Assertion Criteria 2017. Collection method: clinical testing. Allele origin: unknown. Not counted in ClinVar's aggregate classification.

Women's Health and Genetics/Laboratory Corporation of America, LabCorp
Classification: Benign. Last evaluated: 2017-11-13. Review status: criteria provided, single submitter. Criteria: LabCorp Variant Classification Summary - May 2015. Collection method: clinical testing. Allele origin: germline. Not counted in ClinVar's aggregate classification.
Comment: Variant summary: The BRCA1 c.5074+6C>G variant involves the alteration of a non-conserved intronic nucleotide. MutationTaster predicts a benign outcome for this variant. 4/5 splice prediction tools predict no significant impact on normal splicing. Functional studies confirmed that this variant has no effect on splicing (Bonatti_2006, Houdayer_2011, Steffensen_2014). This variant was found in 16/276994 control chromosomes (gnomAD) at a frequency of 0.0000578, which does not exceed the estimated maximal expected allele frequency of a pathogenic BRCA1 variant (0.0010005). This variant has been reported in multiple HBOC patients in literature without cosegregation and co-occurrence evidence. In a clinical database (UMD), this variant is reported to co-occur with two deleterious variants in BRCA1 (c.4327C>T (p.Arg1443X) and c.1088delA (p.Asn363IlefsX11)), strongly supporting a benign outcome. In addition, multiple clinical diagnostic laboratories/reputable databases have classified this variant as benign/likely benign. Taken together, this variant is classified as benign.

Molecular Genetics Laboratory, University of Michigan
Classification: Benign for Breast-ovarian cancer, familial, susceptibility to, 1. Last evaluated: 2016-04-21. Review status: criteria provided, single submitter. Criteria: ACMG Guidelines, 2015. Collection method: clinical testing. Allele origin: germline. Affected: yes. Not counted in ClinVar's aggregate classification.

Color Diagnostics, LLC DBA Color Health
Classification: Likely benign for Hereditary cancer-predisposing syndrome. Last evaluated: 2016-03-07. Review status: criteria provided, single submitter. Criteria: ACMG Guidelines, 2015. Collection method: clinical testing. Allele origin: germline. Not counted in ClinVar's aggregate classification.

GeneDx
Classification: Benign. Last evaluated: 2015-03-03. Review status: criteria provided, single submitter. Criteria: GeneDx Variant Classification Process June 2021. Collection method: clinical testing. Allele origin: germline. Affected: yes. Not counted in ClinVar's aggregate classification.
Comment: This variant is associated with the following publications: (PMID: 30209399)

BRCAlab, Lund University
Classification: Benign for Breast-ovarian cancer, familial, susceptibility to, 1. Last evaluated: 2020-03-02. Review status: no assertion criteria provided. Collection method: clinical testing. Allele origin: germline. Affected: yes. Not counted in ClinVar's aggregate classification.

Hereditary Cancer Genetics group, Vall d'Hebron Institute of Oncology
Classification: Benign for Hereditary breast and ovarian cancer syndrome. Last evaluated: 2019-03-01. Review status: no assertion criteria provided. Collection method: research. Allele origin: germline. Affected: yes. Not counted in ClinVar's aggregate classification.

Mayo Clinic Laboratories, Mayo Clinic
Classification: Likely benign. Last evaluated: 2016-12-28. Review status: no assertion criteria provided. Collection method: clinical testing. Allele origin: unknown. Not counted in ClinVar's aggregate classification.

Counsyl
Classification: Uncertain significance for Breast-ovarian cancer, familial, susceptibility to, 1. Last evaluated: 2015-12-10. Review status: no assertion criteria provided. Collection method: clinical testing. Allele origin: unknown. Not counted in ClinVar's aggregate classification.

Foulkes Cancer Genetics LDI, Lady Davis Institute for Medical Research
Classification: Likely benign for Breast and/or ovarian cancer. Last evaluated: 2013-10-07. Review status: no assertion criteria provided. Collection method: clinical testing. Allele origin: germline. Study: The Canadian Open Genetics Repository (COGR). Not counted in ClinVar's aggregate classification.

NM_007294.4(BRCA1):c.5074+6C>G

Gene: BRCA1 (BRCA1 DNA repair associated; minus strand). Cytogenetic location: 17q21.31.
Variant type: single nucleotide variant.
Coding change: c.5074+6C>G on transcript NM_007294.4 (MANE Select); 6 bases into the intron after coding-DNA position 5074, C replaced by G.
Molecular consequence: intron variant.
Genome position (GRCh38, 1-based): chr17:43,067,602, G>C on the plus strand (C>G on the coding strand, the complement: BRCA1 is on the minus strand). VCF-style: chr17-43067602-G-C. GRCh37 (hg19) VCF-style: chr17-41219619-G-C.
Other names: IVS17+6C>G; c.1621+6C>G (NM_001408458.1, NM_001408461.1, NM_001408464.1 and 7 more transcripts); c.4183+6C>G (NM_001407967.1); c.4693+6C>G (NM_001407959.1); c.4807+6C>G (NM_001407931.1, NM_001407932.1, NM_001407928.1 and 4 more transcripts); c.4930+6C>G (NM_001407747.1, NM_001407745.1, NM_001407737.1 and 21 more transcripts); c.4690+6C>G (NM_001407962.1, NM_001407960.1); c.1261+6C>G (NM_001408512.1); and 72 more.
Identifiers: ClinVar variation 91636 (VCV000091636.72), dbSNP rs80358032, ClinGen allele CA003200.